The following is an entry in ClinVar:

NM_001005361.3(DNM2):c.2305C>T (p.Arg769Cys)

Gene: DNM2 (dynamin 2; plus strand). Cytogenetic location: 19p13.2.
Variant type: single nucleotide variant.
Coding change: c.2305C>T on transcript NM_001005361.3 (MANE Select); coding-DNA position 2305, C replaced by T.
Protein change: p.Arg769Cys; replaces arginine 769 with cysteine.
Molecular consequence: missense variant.
Genome position (GRCh38, 1-based): chr19:10,830,140, C>T. VCF-style: chr19-10830140-C-T. GRCh37 (hg19) VCF-style: chr19-10940816-C-T.
Other names: c.2305C>T, p.Arg769Cys (NM_001005360.3, NM_001190716.2); c.2293C>T, p.Arg765Cys (NM_001005362.3, NM_004945.4); short protein forms R769C, R765C.
Identifiers: ClinVar variation 643376 (VCV000643376.11), dbSNP rs374864354, ClinGen allele CA9201585.
Genomic context (GRCh38, chr19:10,830,140, plus strand): 5'-TCCTACTCCATCTGTATCTGTAGCTCACACCCTCTCCTTCCTCACAGCCCCACTCCACAG[C>T]GCCGACCGGTGTCCAGCATACACCCCCCTGGCCGGCCCCCAGCAGTGAGGGGCCCCACTC-3'
Protein context (NP_001005361.1, residues 759-779): SASSHSPTPQ[Arg769Cys]RPVSSIHPPG

ClinVar aggregate classification (germline): Uncertain significance. Review status: criteria provided, multiple submitters, no conflicts (2 of 4 stars). 3 submissions from 3 submitters: Uncertain significance (3). Last evaluated 2026-01-19.

Conditions:
Charcot-Marie-Tooth disease dominant intermediate B (CMTDIB). Also called: CHARCOT-MARIE-TOOTH NEUROPATHY, DOMINANT INTERMEDIATE B; Charcot-Marie-Tooth disease dominant intermediate 1; CMT DI1; Charcot-Marie-Tooth disease dominant intermediate I. Identifiers: Orphanet 100044, Orphanet 228179, MedGen C1847902, MONDO:0011674, OMIM 606482.
Inborn genetic diseases. Identifiers: MedGen C0950123, MeSH D030342.

Allele frequency attached by ClinVar (database versions not stated): gnomAD exomes 0.00001 and 0.00002; ExAC 0.00002; TOPMed 0.00004; gnomAD 0.00005; ESP Exome Variant Server 0.00015.
gnomAD v4.1: 29 of 1,613,724 alleles (0.0018%); highest among the groups gnomAD compares: South Asian, 0.012%; no homozygotes.

Submissions (3):

Labcorp Genetics (formerly Invitae), Labcorp
Classification: Uncertain significance for Charcot-Marie-Tooth disease dominant intermediate B. Last evaluated: 2026-01-19. Review status: criteria provided, single submitter. Criteria: Invitae Variant Classification Sherloc (09022015). Collection method: clinical testing. Allele origin: germline.
Comment: This sequence change replaces arginine, which is basic and polar, with cysteine, which is neutral and slightly polar, at codon 769 of the DNM2 protein (p.Arg769Cys). This variant is present in population databases (rs374864354, gnomAD 0.01%). This variant has not been reported in the literature in individuals affected with DNM2-related conditions. ClinVar contains an entry for this variant (Variation ID: 643376). Invitae Evidence Modeling of protein sequence and biophysical properties (such as structural, functional, and spatial information, amino acid conservation, physicochemical variation, residue mobility, and thermodynamic stability) has been performed for this missense variant. However, the output from this modeling did not meet the statistical confidence thresholds required to predict the impact of this variant on DNM2 protein function. In summary, the available evidence is currently insufficient to determine the role of this variant in disease. Therefore, it has been classified as a Variant of Uncertain Significance.

Ambry Genetics
Classification: Uncertain significance for Inborn genetic diseases. Last evaluated: 2025-02-11. Review status: criteria provided, single submitter. Criteria: Ambry Variant Classification Scheme 2023. Collection method: clinical testing. Allele origin: germline.

Revvity Omics, Revvity
Classification: Uncertain significance. Last evaluated: 2024-09-19. Review status: criteria provided, single submitter. Criteria: ACMG Guidelines, 2015. Collection method: clinical testing. Allele origin: germline.